The following is an entry in ClinVar:

ClinVar aggregate classification (germline): Uncertain significance (1 of 4 stars; one submission).

Conditions:
Aniridia 1 (AN1). Identifiers: Orphanet 250923, MedGen C0344542, MONDO:0024507, OMIM 106210.
Irido-corneo-trabecular dysgenesis (ASGD5). Also called: ANTERIOR SEGMENT DYSGENESIS 5. Identifiers: Orphanet 708, MedGen C0344559, MONDO:0011414, OMIM 604229, HP:0000659.

gnomAD v4.1: 1 of 1,614,034 alleles (0.000062%); highest among the groups gnomAD compares: Non-Finnish European, 0.000085%; no homozygotes.

Submission:

Labcorp Genetics (formerly Invitae), Labcorp
Classification: Uncertain significance for Aniridia 1; Irido-corneo-trabecular dysgenesis. Last evaluated: 2025-03-26. Review status: criteria provided, single submitter. Criteria: Invitae Variant Classification Sherloc (09022015). Collection method: clinical testing. Allele origin: germline.
Comment: This sequence change replaces threonine, which is neutral and polar, with alanine, which is neutral and non-polar, at codon 113 of the PAX6 protein (p.Thr113Ala). This variant is present in population databases (rs763754697, gnomAD 0.0009%). This variant has not been reported in the literature in individuals affected with PAX6-related conditions. Invitae Evidence Modeling of protein sequence and biophysical properties (such as structural, functional, and spatial information, amino acid conservation, physicochemical variation, residue mobility, and thermodynamic stability) indicates that this missense variant is not expected to disrupt PAX6 protein function with a negative predictive value of 80%. In summary, the available evidence is currently insufficient to determine the role of this variant in disease. Therefore, it has been classified as a Variant of Uncertain Significance.

NM_001368894.2(PAX6):c.379A>G (p.Thr127Ala)

Gene: PAX6 (paired box 6; minus strand). Cytogenetic location: 11p13.
Variant type: single nucleotide variant.
Coding change: c.379A>G on transcript NM_001368894.2 (MANE Select); coding-DNA position 379, A replaced by G.
Protein change: p.Thr127Ala; replaces threonine 127 with alanine.
Molecular consequence: missense variant. On other transcripts: 5 prime UTR variant (14), non-coding transcript variant (2), intron variant (8).
Genome position (GRCh38, 1-based): chr11:31,801,581, T>C on the plus strand (A>G on the coding strand, the complement: PAX6 is on the minus strand). VCF-style: chr11-31801581-T-C. GRCh37 (hg19) VCF-style: chr11-31823129-T-C.
Other names: c.337A>G, p.Thr113Ala (NM_000280.6, NM_001127612.3, NM_001258464.2 and 10 more transcripts); c.379A>G, p.Thr127Ala (NM_001258462.3, NM_001258463.2, NM_001310158.2 and 6 more transcripts); c.-403A>G (NM_001310160.2, NM_001368902.2, NM_001368905.2); c.-72A>G (NM_001310161.3, NM_001368899.2, NM_001368900.2 and 8 more transcripts); c.580A>G, p.Thr194Ala (NM_001368910.2); c.382A>G, p.Thr128Ala (NM_001368911.2); c.454A>G, p.Thr152Ala (NM_001368918.2, NM_001368919.2); c.412A>G, p.Thr138Ala (NM_001368920.2); and 2 more; short protein forms T152A, T128A, T113A, T138A, T194A, T127A.
Identifiers: ClinVar variation 4783130 (VCV004783130.1).
Genomic context (GRCh38, chr11:31,801,581, plus strand): 5'-GGCTTAGGGCAGGGAGGGCAGATGTTCTCAATGAACTTACGCTTGGTATGTTATCGTTGG[T>C]ACAGACCCCCTCGGACAGTAATCTGTCTCGGATTTCCCAAGCAAAGATGGACGGGCACTC-3'
Protein context (NP_001355823.1, residues 117-137): RDRLLSEGVC[Thr127Ala]NDNIPSVSSI